The following is an entry in ClinVar:

ClinVar aggregate classification (germline): Uncertain significance (1 of 4 stars; one submission).

Submission:

Labcorp Genetics (formerly Invitae), Labcorp
Classification: Uncertain significance. Last evaluated: 2021-10-02. Review status: criteria provided, single submitter. Criteria: Invitae Variant Classification Sherloc (09022015). Collection method: clinical testing. Allele origin: germline.
Comment: This sequence change replaces arginine with threonine at codon 1095 of the ADAMTS18 protein (p.Arg1095Thr). The arginine residue is highly conserved and there is a moderate physicochemical difference between arginine and threonine. In summary, the available evidence is currently insufficient to determine the role of this variant in disease. Therefore, it has been classified as a Variant of Uncertain Significance. Algorithms developed to predict the effect of missense changes on protein structure and function are either unavailable or do not agree on the potential impact of this missense change (SIFT: "Not Available"; PolyPhen-2: "Probably Damaging"; Align-GVGD: "Not Available"). This variant has not been reported in the literature in individuals affected with ADAMTS18-related conditions. This variant is not present in population databases (ExAC no frequency).

NM_199355.4(ADAMTS18):c.3284G>C (p.Arg1095Thr)

Gene: ADAMTS18 (ADAM metallopeptidase with thrombospondin type 1 motif 18; minus strand). Cytogenetic location: 16q23.1.
Variant type: single nucleotide variant.
Coding change: c.3284G>C on transcript NM_199355.4 (MANE Select); coding-DNA position 3284, G replaced by C.
Protein change: p.Arg1095Thr; replaces arginine 1095 with threonine.
Molecular consequence: missense variant.
Genome position (GRCh38, 1-based): chr16:77,291,384, C>G on the plus strand (G>C on the coding strand, the complement: ADAMTS18 is on the minus strand). VCF-style: chr16-77291384-C-G. GRCh37 (hg19) VCF-style: chr16-77325281-C-G.
Other names: c.2768G>C, p.Arg923Thr (NM_001326358.2); short protein forms R1095T, R923T.
Identifiers: ClinVar variation 1475260 (VCV001475260.6), dbSNP rs746051519, ClinGen allele CA396832177.